The following is an entry in ClinVar:

NM_006206.6(PDGFRA):c.760-6C>T

Gene: PDGFRA (platelet derived growth factor receptor alpha; plus strand). Cytogenetic location: 4q12.
Variant type: single nucleotide variant.
Coding change: c.760-6C>T on transcript NM_006206.6 (MANE Select); 6 bases into the intron before coding-DNA position 760, C replaced by T.
Molecular consequence: intron variant.
Genome position (GRCh38, 1-based): chr4:54,267,283, C>T. VCF-style: chr4-54267283-C-T. GRCh37 (hg19) VCF-style: chr4-55133450-C-T.
Other names: c.835-6C>T (NM_001347828.2); c.760-6C>T (NM_001347827.2, NM_001347829.2, NM_006206.5); c.799-6C>T (NM_001347830.2).
Identifiers: ClinVar variation 528684 (VCV000528684.13), dbSNP rs888633425, ClinGen allele CA96851856.

ClinVar aggregate classification (germline): Likely benign. Review status: criteria provided, multiple submitters, no conflicts (2 of 4 stars). 3 submissions from 3 submitters: Likely benign (2). 1 of the submissions does not count toward it. Last evaluated 2026-06-12.

Conditions:
Polyps, multiple and recurrent inflammatory fibroid, gastrointestinal. Identifiers: MedGen C5193005, MONDO:0008285, OMIM 175510.
PDGFRA-related disorder. Also called: PDGFRA-related condition.
Gastrointestinal stromal tumor. Also called: Gastrointestinal stromal tumor, somatic; Gastrointestinal stroma tumor. Identifiers: Orphanet 44890, MedGen C0238198, MeSH D046152, MONDO:0011719, OMIM 606764, HP:0100723.

Allele frequency attached by ClinVar (database versions not stated): gnomAD exomes 0.00001; TOPMed 0.00002; gnomAD 0.00005.
gnomAD v4.1: 14 of 1,613,906 alleles (0.00087%); highest among the groups gnomAD compares: African/African-American, 0.019%; no homozygotes.

Submissions (3):

Myriad Genetics, Inc.
Classification: Likely benign for Polyps, multiple and recurrent inflammatory fibroid, gastrointestinal. Last evaluated: 2026-06-12. Review status: criteria provided, single submitter. Criteria: Myriad Autosomal Dominant, Autosomal Recessive and X-Linked Classification Criteria (2023). Collection method: clinical testing. Allele origin: unknown.
Comment: This variant is considered likely benign. This variant is intronic and is not expected to impact mRNA splicing.

Labcorp Genetics (formerly Invitae), Labcorp
Classification: Likely benign for Gastrointestinal stromal tumor. Last evaluated: 2025-09-27. Review status: criteria provided, single submitter. Criteria: Invitae Variant Classification Sherloc (09022015). Collection method: clinical testing. Allele origin: germline.

PreventionGenetics, part of Exact Sciences
Classification: Likely benign for PDGFRA-related condition. Last evaluated: 2024-07-28. Review status: no assertion criteria provided. Collection method: clinical testing. Allele origin: germline. Not counted in ClinVar's aggregate classification.
Comment: This variant is classified as likely benign based on ACMG/AMP sequence variant interpretation guidelines (Richards et al. 2015 PMID: 25741868, with internal and published modifications).